The following is an entry in ClinVar:

NM_004715.5(CTDP1):c.2510A>C (p.Gln837Pro)

Gene: CTDP1 (CTD phosphatase subunit 1; plus strand). Cytogenetic location: 18q23.
Variant type: single nucleotide variant.
Coding change: c.2510A>C on transcript NM_004715.5 (MANE Select); coding-DNA position 2510, A replaced by C.
Protein change: p.Gln837Pro; replaces glutamine 837 with proline.
Molecular consequence: missense variant. On other transcripts: intron variant (1).
Genome position (GRCh38, 1-based): chr18:79,728,999, A>C. VCF-style: chr18-79728999-A-C. GRCh37 (hg19) VCF-style: chr18-77488999-A-C.
Other names: c.2153A>C, p.Gln718Pro (NM_001202504.1); c.2510A>C, p.Gln837Pro (NM_001318511.2); c.2418-7356A>C (NM_048368.4); short protein forms Q718P, Q837P.
Identifiers: ClinVar variation 2011962 (VCV002011962.4), dbSNP rs1012787513, ClinGen allele CA402834142.

ClinVar aggregate classification (germline): Uncertain significance (1 of 4 stars; one submission).

gnomAD v4.1: 1 of 1,614,098 alleles (0.000062%); highest among the groups gnomAD compares: African/African-American, 0.0013%; no homozygotes.

Submission:

Labcorp Genetics (formerly Invitae), Labcorp
Classification: Uncertain significance. Last evaluated: 2022-09-27. Review status: criteria provided, single submitter. Criteria: Invitae Variant Classification Sherloc (09022015). Collection method: clinical testing. Allele origin: germline.
Comment: In summary, the available evidence is currently insufficient to determine the role of this variant in disease. Therefore, it has been classified as a Variant of Uncertain Significance. Algorithms developed to predict the effect of missense changes on protein structure and function are either unavailable or do not agree on the potential impact of this missense change (SIFT: "Tolerated"; PolyPhen-2: "Probably Damaging"; Align-GVGD: "Class C0"). This variant has not been reported in the literature in individuals affected with CTDP1-related conditions. This variant is present in population databases (no rsID available, gnomAD 0.01%). This sequence change replaces glutamine, which is neutral and polar, with proline, which is neutral and non-polar, at codon 837 of the CTDP1 protein (p.Gln837Pro).